The following is an entry in ClinVar:

NM_004700.4(KCNQ4):c.1288G>A (p.Glu430Lys)

Gene: KCNQ4 (potassium voltage-gated channel subfamily Q member 4; plus strand). Cytogenetic location: 1p34.2.
Variant type: single nucleotide variant.
Coding change: c.1288G>A on transcript NM_004700.4 (MANE Select); coding-DNA position 1288, G replaced by A.
Protein change: p.Glu430Lys; replaces glutamic acid 430 with lysine.
Molecular consequence: missense variant. On other transcripts: intron variant (1).
Genome position (GRCh38, 1-based): chr1:40,824,254, G>A. VCF-style: chr1-40824254-G-A. GRCh37 (hg19) VCF-style: chr1-41289926-G-A.
Other names: c.1130+1852G>A (NM_172163.3); short protein forms E430K.
Identifiers: ClinVar variation 1378938 (VCV001378938.6), dbSNP rs572530099, ClinGen allele CA794827.

ClinVar aggregate classification (germline): Uncertain significance. Review status: criteria provided, multiple submitters, no conflicts (2 of 4 stars). 2 submissions from 2 submitters: Uncertain significance (2). Last evaluated 2021-12-29.

Allele frequency attached by ClinVar (database versions not stated): gnomAD 0.00001; TOPMed 0.00002; gnomAD exomes 0.00005 and 0.00008; ExAC 0.00014; 1000 Genomes Project 30x 0.00016; 1000 Genomes Project 0.00020.
gnomAD v4.1: 68 of 1,607,554 alleles (0.0042%); highest among the groups gnomAD compares: South Asian, 0.053%; no homozygotes.

Submissions (2):

Blueprint Genetics
Classification: Uncertain significance. Last evaluated: 2021-12-29. Review status: criteria provided, single submitter. Criteria: ACMG Guidelines, 2015. Collection method: clinical testing. Allele origin: germline.

Labcorp Genetics (formerly Invitae), Labcorp
Classification: Uncertain significance. Last evaluated: 2021-08-28. Review status: criteria provided, single submitter. Criteria: Invitae Variant Classification Sherloc (09022015). Collection method: clinical testing. Allele origin: germline.
Comment: This sequence change replaces glutamic acid with lysine at codon 430 of the KCNQ4 protein (p.Glu430Lys). The glutamic acid residue is weakly conserved and there is a small physicochemical difference between glutamic acid and lysine. This variant is present in population databases (rs572530099, ExAC 0.07%), and has an allele count higher than expected for a pathogenic variant (PMID: 28166811). This missense change has been observed in individual(s) with nonsyndromic deafness (PMID: 31389194). Algorithms developed to predict the effect of missense changes on protein structure and function (SIFT, PolyPhen-2, Align-GVGD) all suggest that this variant is likely to be tolerated. In summary, the available evidence is currently insufficient to determine the role of this variant in disease. Therefore, it has been classified as a Variant of Uncertain Significance.

Literature cited by the submitters: PubMed 28166811 (cited by Labcorp Genetics (formerly Invitae), Labcorp); PubMed 31389194 (cited by Labcorp Genetics (formerly Invitae), Labcorp).